The following is an entry in ClinVar:

ClinVar aggregate classification (germline): Pathogenic (1 of 4 stars; one submission).

Conditions:
Muscular dystrophy-dystroglycanopathy (congenital with brain and eye anomalies), type a, 12 (MDDGA12). Also called: WALKER-WARBURG SYNDROME OR MUSCLE-EYE-BRAIN DISEASE, POMK-RELATED. Identifiers: Orphanet 899, MedGen C3808964, MONDO:0014101, OMIM 615249.
Limb-girdle muscular dystrophy due to POMK deficiency. Also called: MUSCULAR DYSTROPHY-DYSTROGLYCANOPATHY, LIMB-GIRDLE, POMK-RELATED; Muscular dystrophy-dystroglycanopathy (limb-girdle), type c, 12. Identifiers: Orphanet 445110, MedGen C4015184, MONDO:0014489, OMIM 616094.

Submission:

Labcorp Genetics (formerly Invitae), Labcorp
Classification: Pathogenic for Muscular dystrophy-dystroglycanopathy (congenital with brain and eye anomalies), type a, 12; Limb-girdle muscular dystrophy due to POMK deficiency. Last evaluated: 2021-08-11. Review status: criteria provided, single submitter. Criteria: Invitae Variant Classification Sherloc (09022015). Collection method: clinical testing. Allele origin: germline.
Comment: For these reasons, this variant has been classified as Pathogenic. This variant disrupts the C-terminus of the POMK protein. Other variant(s) that disrupt this region (p.Arg303*) have been determined to be pathogenic (Invitae). This suggests that variants that disrupt this region of the protein are likely to be causative of disease. This variant has not been reported in the literature in individuals with POMK-related conditions. This variant is not present in population databases (ExAC no frequency). This sequence change creates a premature translational stop signal (p.His152Glnfs*9) in the POMK gene. While this is not anticipated to result in nonsense mediated decay, it is expected to disrupt the last 199 amino acid(s) of the POMK protein.

NM_032237.5(POMK):c.452_455dup (p.His152fs)

Gene: POMK (protein O-mannose kinase; plus strand). Cytogenetic location: 8p11.21.
Variant type: Duplication.
Coding change: c.452_455dup on transcript NM_032237.5 (MANE Select); coding-DNA positions 452 to 455, 4 bases duplicated (ATCA; older notation c.452_455dupATCA).
Protein change: p.His152fs; shifts the reading frame from histidine 152.
Molecular consequence: frameshift variant.
Genome position (GRCh38, 1-based): chr8:43,122,276-43,122,279, ATCA duplicated. VCF-style (leftmost placement, unchanged base first): chr8-43122275-T-TATCA. GRCh37 (hg19) VCF-style: chr8-42977418-T-TATCA.
Other names: c.452_455dup, p.His152fs (NM_001277971.2); short protein forms H152fs.
Identifiers: ClinVar variation 1451698 (VCV001451698.8), dbSNP rs2130626601, ClinGen allele CA2573143096.